The following is an entry in ClinVar:

ClinVar aggregate classification (germline): Conflicting classifications of pathogenicity. Review status: criteria provided, conflicting classifications (1 of 4 stars). 4 submissions from 4 submitters: Uncertain significance (1); Likely benign (3). Last evaluated 2025-10-01.

Conditions:
Cardiovascular phenotype. Identifiers: MedGen CN230736.
X-linked myopathy with postural muscle atrophy. Also called: FHL1-Related Emery-Dreifuss Muscular Dystrophy, X-Linked. Identifiers: Orphanet 178461, MedGen C2678055, MONDO:0010401, OMIM 300696.

Allele frequency attached by ClinVar (database versions not stated): ExAC 0.00001; gnomAD exomes 0.00001; TOPMed 0.00001; gnomAD 0.00002.
gnomAD v4.1: 12 of 1,210,772 alleles (0.00099%); highest among the groups gnomAD compares: Non-Finnish European, 0.0013%; no homozygotes.

Submissions (4):

Labcorp Genetics (formerly Invitae), Labcorp
Classification: Likely benign for X-linked myopathy with postural muscle atrophy. Last evaluated: 2025-10-01. Review status: criteria provided, single submitter. Criteria: Invitae Variant Classification Sherloc (09022015). Collection method: clinical testing. Allele origin: germline.

Ambry Genetics
Classification: Likely benign for Cardiovascular phenotype. Last evaluated: 2019-08-19. Review status: criteria provided, single submitter. Criteria: Ambry Variant Classification Scheme 2023. Collection method: clinical testing. Allele origin: germline.

Eurofins Ntd Llc (ga)
Classification: Uncertain significance. Last evaluated: 2018-08-29. Review status: criteria provided, single submitter. Criteria: EGL ClinVar v180209 classification definitions. Collection method: clinical testing. Allele origin: germline. Observed: 1 variant allele, 1 heterozygote.

GeneDx
Classification: Likely benign. Last evaluated: 2018-06-19. Review status: criteria provided, single submitter. Criteria: GeneDx Variant Classification (06012015). Collection method: clinical testing. Allele origin: germline. Affected: yes.
Comment: This variant is considered likely benign or benign based on one or more of the following criteria: it is a conservative change, it occurs at a poorly conserved position in the protein, it is predicted to be benign by multiple in silico algorithms, and/or has population frequency not consistent with disease.

NM_001159699.2(FHL1):c.447G>A (p.Lys149=)

Gene: FHL1 (four and a half LIM domains 1; plus strand). Cytogenetic location: Xq26.3.
Variant type: single nucleotide variant.
Coding change: c.447G>A on transcript NM_001159699.2 (MANE Select); coding-DNA position 447, G replaced by A.
Protein change: p.Lys149=; no amino-acid change (lysine 149 retained).
Molecular consequence: synonymous variant. On other transcripts: non-coding transcript variant (1).
Genome position (GRCh38, 1-based): chrX:136,207,859, G>A. VCF-style: chrX-136207859-G-A. GRCh37 (hg19) VCF-style: chrX-135290018-G-A.
Other names: c.399G>A, p.Lys133= (NM_001159700.2, NM_001159702.3, NM_001159703.2 and 9 more transcripts); c.486G>A, p.Lys162= (NM_001159701.2); c.447G>A, p.Lys149= (NM_001330659.2).
Identifiers: ClinVar variation 598558 (VCV000598558.13), dbSNP rs768142579, ClinGen allele CA10525009.
Genomic context (GRCh38, chrX:136,207,859, plus strand): 5'-AAACGTGGAGTACAAGGGGACCGTCTGGCACAAAGACTGCTTCACCTGTAGTAACTGCAA[G>A]CAAGTCATCGGGACTGGAAGCTTCTTCCCTAAAGGGGAGGACTTCTACTGCGTGACTTGC-3'
Protein context (NP_001153171.1, residues 139-159): HKDCFTCSNC[Lys149=]QVIGTGSFFP